The following is an entry in ClinVar:

NM_198253.3(TERT):c.2869A>C (p.Ser957Arg)

Gene: TERT (telomerase reverse transcriptase; minus strand). Cytogenetic location: 5p15.33.
Variant type: single nucleotide variant.
Coding change: c.2869A>C on transcript NM_198253.3 (MANE Select); coding-DNA position 2869, A replaced by C.
Protein change: p.Ser957Arg; replaces serine 957 with arginine.
Molecular consequence: missense variant. On other transcripts: non-coding transcript variant (2).
Genome position (GRCh38, 1-based): chr5:1,260,575, T>G on the plus strand (A>C on the coding strand, the complement: TERT is on the minus strand). VCF-style: chr5-1260575-T-G. GRCh37 (hg19) VCF-style: chr5-1260690-T-G.
Other names: p.Ser957Arg; c.2680A>C, p.Ser894Arg (NM_001193376.3); short protein forms S894R, S957R.
Identifiers: ClinVar variation 1695945 (VCV001695945.1), dbSNP rs1748158034, ClinGen allele CA359070429.

ClinVar aggregate classification (germline): Likely risk allele (0 of 4 stars; one submission).

Conditions:
Pulmonary fibrosis. Identifiers: MedGen C0034069, MONDO:0002771, HP:0002206.

Submission:

Garcia Pulmonary Genetics Research Laboratory, Columbia University Irving Medical Center
Classification: Likely risk allele for Pulmonary fibrosis. Last evaluated: 2022-06-09. Review status: no assertion criteria provided. Collection method: research. Allele origin: germline. Affected: yes.
Comment: Leukocyte telomere length (by qPCR) less than 10th percentile age-adjusted